The following is an entry in ClinVar:

NM_018426.3(TMEM63B):c.1593G>A (p.Ser531=)

Gene: TMEM63B (transmembrane protein 63B; plus strand). Cytogenetic location: 6p21.1.
Variant type: single nucleotide variant.
Coding change: c.1593G>A on transcript NM_018426.3 (MANE Select); coding-DNA position 1593, G replaced by A.
Protein change: p.Ser531=; no amino-acid change (serine 531 retained).
Molecular consequence: synonymous variant.
Genome position (GRCh38, 1-based): chr6:44,150,296, G>A. VCF-style: chr6-44150296-G-A. GRCh37 (hg19) VCF-style: chr6-44118033-G-A.
Other names: c.1593G>A, p.Ser531= (NM_001318792.1).
Identifiers: ClinVar variation 5041117 (VCV005041117.1).

ClinVar aggregate classification (germline): Likely benign (1 of 4 stars; one submission).

gnomAD v4.1: 21 of 1,613,858 alleles (0.0013%); highest among the groups gnomAD compares: Middle Eastern, 0.033%; 1 homozygote.

Submission:

CeGaT Center for Human Genetics Tuebingen
Classification: Likely benign. Last evaluated: 2026-09-01. Review status: criteria provided, single submitter. Criteria: CeGaT Center For Human Genetics Tuebingen Variant Classification Criteria Version 2. Collection method: clinical testing. Allele origin: germline. Affected: yes. Observed: 1 variant allele.
Comment: TMEM63B: BP4, BP7